The following is an entry in ClinVar:

NM_001034853.2(RPGR):c.1062dup (p.Ala355fs)

Gene: RPGR (retinitis pigmentosa GTPase regulator; minus strand). Cytogenetic location: Xp11.4.
Variant type: Duplication.
Coding change: c.1062dup on transcript NM_001034853.2 (MANE Select); coding-DNA position 1062, one base duplicated (T; older notation c.1062dupT).
Protein change: p.Ala355fs; shifts the reading frame from alanine 355.
Molecular consequence: frameshift variant. On other transcripts: non-coding transcript variant (6), intron variant (2).
Genome position (GRCh38, 1-based): chrX:38,299,139, A duplicated on the plus strand (T on the coding strand, the reverse complement: RPGR is on the minus strand); the first of 2 consecutive A bases (chrX:38,299,139-38,299,140); duplicating either gives the same sequence. VCF-style (leftmost placement, unchanged base first): chrX-38299138-C-CA. GRCh37 (hg19) VCF-style: chrX-38158391-C-CA.
Other names: c.1062dup, p.Ala355fs (NM_000328.3, NM_001367247.1); c.1059dup, p.Ala354fs (NM_001367245.1, NM_001367249.1, NM_001367250.1); c.1092dup, p.Ala365fs (NM_001367248.1); c.1060-1687dup (NM_001367251.1, NM_001367246.1); short protein forms A354fs, A365fs, A355fs.
Identifiers: ClinVar variation 1969700 (VCV001969700.5), dbSNP rs2519829870, ClinGen allele CA2580100961.

ClinVar aggregate classification (germline): Pathogenic (1 of 4 stars; one submission).

Conditions:
Primary ciliary dyskinesia. Also called: Ciliary dyskinesia. Identifiers: Orphanet 244, MedGen C0008780, MONDO:0016575, HP:0012265.

Submission:

Labcorp Genetics (formerly Invitae), Labcorp
Classification: Pathogenic for Primary ciliary dyskinesia. Last evaluated: 2024-02-24. Review status: criteria provided, single submitter. Criteria: Invitae Variant Classification Sherloc (09022015). Collection method: clinical testing. Allele origin: germline.
Comment: This sequence change creates a premature translational stop signal (p.Ala355Cysfs*22) in the RPGR gene. It is expected to result in an absent or disrupted protein product. Loss-of-function variants in RPGR are known to be pathogenic (PMID: 16055928, 16969763). This variant is not present in population databases (gnomAD no frequency). This variant has not been reported in the literature in individuals affected with RPGR-related conditions. ClinVar contains an entry for this variant (Variation ID: 1969700). For these reasons, this variant has been classified as Pathogenic.

Literature cited by the submitters: PubMed 16055928; PubMed 16969763.